The following is an entry in ClinVar:

NM_001042545.2(LTBP4):c.3623C>T (p.Pro1208Leu)

Gene: LTBP4 (latent transforming growth factor beta binding protein 4; plus strand). Cytogenetic location: 19q13.2.
Variant type: single nucleotide variant.
Coding change: c.3623C>T on transcript NM_001042545.2 (MANE Select); coding-DNA position 3623, C replaced by T.
Protein change: p.Pro1208Leu; replaces proline 1208 with leucine.
Molecular consequence: missense variant.
Genome position (GRCh38, 1-based): chr19:40,623,670, C>T. VCF-style: chr19-40623670-C-T. GRCh37 (hg19) VCF-style: chr19-41129575-C-T.
Other names: c.3824C>T, p.Pro1275Leu (NM_001042544.1); c.3713C>T, p.Pro1238Leu (NM_003573.2); short protein forms P1238L, P1208L, P1275L.
Identifiers: ClinVar variation 1925341 (VCV001925341.5), dbSNP rs1309261269, ClinGen allele CA405907990.

ClinVar aggregate classification (germline): Uncertain significance (1 of 4 stars; one submission).

Allele frequency attached by ClinVar (database versions not stated): gnomAD exomes below 0.00001.
gnomAD v4.1: 4 of 1,613,916 alleles (0.00025%); highest among the groups gnomAD compares: Non-Finnish European, 0.00034%; no homozygotes.

Submission:

Labcorp Genetics (formerly Invitae), Labcorp
Classification: Uncertain significance. Last evaluated: 2024-07-17. Review status: criteria provided, single submitter. Criteria: Invitae Variant Classification Sherloc (09022015). Collection method: clinical testing. Allele origin: germline.
Comment: This sequence change replaces proline, which is neutral and non-polar, with leucine, which is neutral and non-polar, at codon 1238 of the LTBP4 protein (p.Pro1238Leu). This variant is present in population databases (no rsID available, gnomAD 0.0009%). This variant has not been reported in the literature in individuals affected with LTBP4-related conditions. ClinVar contains an entry for this variant (Variation ID: 1925341). Experimental studies and prediction algorithms are not available or were not evaluated, and the functional significance of this variant is currently unknown. In summary, the available evidence is currently insufficient to determine the role of this variant in disease. Therefore, it has been classified as a Variant of Uncertain Significance.